The following is an entry in ClinVar:

ClinVar aggregate classification (germline): Uncertain significance (1 of 4 stars; one submission).

Conditions:
Dilated cardiomyopathy 1G (CMD1G). Identifiers: Orphanet 154, MedGen C1858763, MONDO:0011400, OMIM 604145.
Autosomal recessive limb-girdle muscular dystrophy type 2J (LGMDR10). Also called: Limb-girdle muscular dystrophy, type 2J; MUSCULAR DYSTROPHY, LIMB-GIRDLE, AUTOSOMAL RECESSIVE 10. Identifiers: Orphanet 140922, MedGen C1837342, MONDO:0012127, OMIM 608807.

Allele frequency attached by ClinVar (database versions not stated): gnomAD exomes below 0.00001.
gnomAD v4.1: 1 of 1,613,974 alleles (0.000062%); highest among the groups gnomAD compares: Non-Finnish European, 0.000085%; no homozygotes.

Submission:

Labcorp Genetics (formerly Invitae), Labcorp
Classification: Uncertain significance for Dilated cardiomyopathy 1G; Autosomal recessive limb-girdle muscular dystrophy type 2J. Last evaluated: 2022-05-27. Review status: criteria provided, single submitter. Criteria: Invitae Variant Classification Sherloc (09022015). Collection method: clinical testing. Allele origin: germline.
Comment: This variant is located in the M band of TTN (PMID: 25589632). Variants in this region may be relevant for neuromuscular disorders, but have not been definitively shown to cause cardiomyopathy (PMID: 23975875). In summary, the available evidence is currently insufficient to determine the role of this variant in disease. Therefore, it has been classified as a Variant of Uncertain Significance. Experimental studies and prediction algorithms are not available or were not evaluated, and the functional significance of this variant is currently unknown. This variant has not been reported in the literature in individuals affected with TTN-related conditions. This variant is not present in population databases (gnomAD no frequency). This sequence change replaces leucine, which is neutral and non-polar, with proline, which is neutral and non-polar, at codon 35169 of the TTN protein (p.Leu35169Pro).

Literature cited by the submitters: PubMed 25589632; PubMed 23975875.

NM_001267550.2(TTN):c.105506T>C (p.Leu35169Pro)

Genes: TTN (titin; minus strand), TTN-AS1 (TTN antisense RNA 1; plus strand), LOC129935184 (ATAC-STARR-seq lymphoblastoid active region 16809; plus strand). Cytogenetic location: 2q31.2.
Variant type: single nucleotide variant.
Coding change: c.105506T>C on transcript NM_001267550.2 (MANE Select); coding-DNA position 105506, T replaced by C.
Protein change: p.Leu35169Pro; replaces leucine 35169 with proline.
Molecular consequence: missense variant.
Genome position (GRCh38, 1-based): chr2:178,531,109, A>G on the plus strand (T>C on the coding strand, the complement: TTN is on the minus strand). VCF-style: chr2-178531109-A-G. GRCh37 (hg19) VCF-style: chr2-179395836-A-G.
Other names: c.100583T>C, p.Leu33528Pro (NM_001256850.1); c.78311T>C, p.Leu26104Pro (NM_003319.4); c.97802T>C, p.Leu32601Pro (NM_133378.4); c.78686T>C, p.Leu26229Pro (NM_133432.3); c.78887T>C, p.Leu26296Pro (NM_133437.4); short protein forms L26104P, L33528P, L26229P, L26296P, L32601P, L35169P.
Identifiers: ClinVar variation 1999247 (VCV001999247.4), dbSNP rs2468396985, ClinGen allele CA349408635.